The following is an entry in ClinVar:

ClinVar aggregate classification (germline): Uncertain significance (1 of 4 stars; one submission).

Conditions:
Inborn genetic diseases. Identifiers: MedGen C0950123, MeSH D030342.

gnomAD v4.1: 5 of 1,610,712 alleles (0.00031%); highest among the groups gnomAD compares: East Asian, 0.011%; no homozygotes.

Submission:

Ambry Genetics
Classification: Uncertain significance for Inborn genetic diseases. Last evaluated: 2025-01-05. Review status: criteria provided, single submitter. Criteria: Ambry Variant Classification Scheme 2023. Collection method: clinical testing. Allele origin: germline.
Comment: The p.R1500G variant (also known as c.4498A>G), located in coding exon 17 of the FANCM gene, results from an A to G substitution at nucleotide position 4498. The arginine at codon 1500 is replaced by glycine, an amino acid with dissimilar properties. This amino acid position is conserved. In addition, this alteration is predicted to be tolerated by in silico analysis. Based on the available evidence, the clinical significance of this variant remains unclear.

NM_020937.4(FANCM):c.4498A>G (p.Arg1500Gly)

Gene: FANCM (FA complementation group M; plus strand). Cytogenetic location: 14q21.2.
Variant type: single nucleotide variant.
Coding change: c.4498A>G on transcript NM_020937.4 (MANE Select); coding-DNA position 4498, A replaced by G.
Protein change: p.Arg1500Gly; replaces arginine 1500 with glycine.
Molecular consequence: missense variant.
Genome position (GRCh38, 1-based): chr14:45,183,885, A>G. VCF-style: chr14-45183885-A-G. GRCh37 (hg19) VCF-style: chr14-45653088-A-G.
Other names: c.4420A>G, p.Arg1474Gly (NM_001308133.2); short protein forms R1500G, R1474G.
Identifiers: ClinVar variation 3848585 (VCV003848585.1).